The following is an entry in ClinVar:

ClinVar aggregate classification (germline): Likely benign. Review status: criteria provided, multiple submitters, no conflicts (2 of 4 stars). 4 submissions from 4 submitters: Likely benign (3). 1 of the submissions does not count toward it. Last evaluated 2026-09-01.

Conditions:
KNL1-related disorder. Also called: KNL1-related condition.

Allele frequency attached by ClinVar (database versions not stated): 1000 Genomes Project 30x 0.00016; 1000 Genomes Project 0.00020; gnomAD 0.00090 and 0.00092; gnomAD exomes 0.00102 and 0.00159; TOPMed 0.00105; ExAC 0.00108; ESP Exome Variant Server 0.00126.
gnomAD v4.1: 2,469 of 1,613,998 alleles (0.15%); highest among the groups gnomAD compares: Non-Finnish European, 0.19%; 6 homozygotes.

Submissions (4):

CeGaT Center for Human Genetics Tuebingen
Classification: Likely benign. Last evaluated: 2026-09-01. Review status: criteria provided, single submitter. Criteria: CeGaT Center For Human Genetics Tuebingen Variant Classification Criteria Version 2. Collection method: clinical testing. Allele origin: germline. Affected: yes. Observed: 7 variant alleles.
Comment: KNL1: BP4, BP7

GeneDx
Classification: Likely benign. Last evaluated: 2021-05-17. Review status: criteria provided, single submitter. Criteria: GeneDx Variant Classification Process June 2021. Collection method: clinical testing. Allele origin: germline. Affected: yes.

Labcorp Genetics (formerly Invitae), Labcorp
Classification: Likely benign. Last evaluated: 2019-12-31. Review status: criteria provided, single submitter. Criteria: Invitae Variant Classification Sherloc (09022015). Collection method: clinical testing. Allele origin: germline.

PreventionGenetics, part of Exact Sciences
Classification: Likely benign for KNL1-related condition. Last evaluated: 2019-05-07. Review status: no assertion criteria provided. Collection method: clinical testing. Allele origin: germline. Not counted in ClinVar's aggregate classification.
Comment: This variant is classified as likely benign based on ACMG/AMP sequence variant interpretation guidelines (Richards et al. 2015 PMID: 25741868, with internal and published modifications).

NM_144508.5(KNL1):c.2949A>G (p.Leu983=)

Gene: KNL1 (kinetochore scaffold 1; plus strand). Cytogenetic location: 15q15.1.
Variant type: single nucleotide variant.
Coding change: c.2949A>G on transcript NM_144508.5 (MANE Select); coding-DNA position 2949, A replaced by G.
Protein change: p.Leu983=; no amino-acid change (leucine 983 retained).
Molecular consequence: synonymous variant.
Genome position (GRCh38, 1-based): chr15:40,623,213, A>G. VCF-style: chr15-40623213-A-G. GRCh37 (hg19) VCF-style: chr15-40915411-A-G.
Other names: c.3027A>G, p.Leu1009= (NM_170589.5).
Identifiers: ClinVar variation 315855 (VCV000315855.46), dbSNP rs201182330, ClinGen allele CA7482932.